The following is an entry in ClinVar:

NM_001044385.3(TMEM237):c.869+1G>T

Gene: TMEM237 (transmembrane protein 237; minus strand). Cytogenetic location: 2q33.1.
Variant type: single nucleotide variant.
Coding change: c.869+1G>T on transcript NM_001044385.3 (MANE Select); the canonical splice donor site of the intron after coding-DNA position 869, G replaced by T.
Molecular consequence: splice donor variant.
Genome position (GRCh38, 1-based): chr2:201,629,229, C>A on the plus strand (G>T on the coding strand, the complement: TMEM237 is on the minus strand). VCF-style: chr2-201629229-C-A. GRCh37 (hg19) VCF-style: chr2-202493952-C-A.
Other names: c.845+1G>T (NM_152388.4).
Identifiers: ClinVar variation 4720598 (VCV004720598.1).

ClinVar aggregate classification (germline): Pathogenic (1 of 4 stars; one submission).

Conditions:
Joubert syndrome 14 (JBTS14). Identifiers: MedGen C3280766, MONDO:0013745, OMIM 614424.

Submission:

Labcorp Genetics (formerly Invitae), Labcorp
Classification: Pathogenic for Joubert syndrome 14. Last evaluated: 2025-06-01. Review status: criteria provided, single submitter. Criteria: Invitae Variant Classification Sherloc (09022015). Collection method: clinical testing. Allele origin: germline.
Comment: This sequence change affects a donor splice site in intron 9 of the TMEM237 gene. It is expected to disrupt RNA splicing. Variants that disrupt the donor or acceptor splice site typically lead to a loss of protein function (PMID: 16199547), and loss-of-function variants in TMEM237 are known to be pathogenic (PMID: 22152675). This variant is not present in population databases (gnomAD no frequency). Disruption of this splice site has been observed in individuals with TMEM237-related conditions (PMID: 22693042, 27894351). Algorithms developed to predict the effect of sequence changes on RNA splicing suggest that this variant may disrupt the consensus splice site. For these reasons, this variant has been classified as Pathogenic.

Literature cited by the submitters: PubMed 16199547; PubMed 22152675; PubMed 22693042; PubMed 27894351.